The following is an entry in ClinVar:

ClinVar aggregate classification (germline): Uncertain significance. Review status: criteria provided, multiple submitters, no conflicts (2 of 4 stars). 2 submissions from 2 submitters: Uncertain significance (2). Last evaluated 2025-11-25.

Conditions:
Hereditary cancer-predisposing syndrome. Also called: Neoplastic Syndromes, Hereditary; Tumor predisposition; Hereditary Cancer Syndrome; Hereditary neoplastic syndrome. Identifiers: Orphanet 140162, MedGen C0027672, MeSH D009386, MONDO:0015356.
Gastrointestinal stromal tumor. Also called: Gastrointestinal stromal tumor, somatic; Gastrointestinal stroma tumor. Identifiers: Orphanet 44890, MedGen C0238198, MeSH D046152, MONDO:0011719, OMIM 606764, HP:0100723.

Allele frequency attached by ClinVar (database versions not stated): gnomAD exomes below 0.00001 and 0.00001; TOPMed below 0.00001; ExAC 0.00001.
gnomAD v4.1: 4 of 1,614,212 alleles (0.00025%); highest among the groups gnomAD compares: Admixed American, 0.005%; no homozygotes.

Submissions (2):

Labcorp Genetics (formerly Invitae), Labcorp
Classification: Uncertain significance for Gastrointestinal stromal tumor. Last evaluated: 2025-11-25. Review status: criteria provided, single submitter. Criteria: Invitae Variant Classification Sherloc (09022015). Collection method: clinical testing. Allele origin: germline.
Comment: This sequence change replaces isoleucine, which is neutral and non-polar, with threonine, which is neutral and polar, at codon 47 of the KIT protein (p.Ile47Thr). This variant is present in population databases (rs776395578, gnomAD 0.009%). This variant has not been reported in the literature in individuals affected with KIT-related conditions. ClinVar contains an entry for this variant (Variation ID: 653782). An algorithm developed to predict the effect of missense changes on protein structure and function outputs the following: PolyPhen-2: "Benign". The threonine amino acid residue is found in multiple mammalian species, which suggests that this missense change does not adversely affect protein function. In summary, the available evidence is currently insufficient to determine the role of this variant in disease. Therefore, it has been classified as a Variant of Uncertain Significance.

Ambry Genetics
Classification: Uncertain significance for Hereditary cancer-predisposing syndrome. Last evaluated: 2023-09-21. Review status: criteria provided, single submitter. Criteria: Ambry Variant Classification Scheme 2023. Collection method: clinical testing. Allele origin: germline.
Comment: The p.I47T variant (also known as c.140T>C), located in coding exon 2 of the KIT gene, results from a T to C substitution at nucleotide position 140. The isoleucine at codon 47 is replaced by threonine, an amino acid with similar properties. This amino acid position is conserved. In addition, this alteration is predicted to be tolerated by in silico analysis. Since supporting evidence is limited at this time, the clinical significance of this alteration remains unclear.

NM_000222.3(KIT):c.140T>C (p.Ile47Thr)

Gene: KIT (KIT proto-oncogene, receptor tyrosine kinase; plus strand). Cytogenetic location: 4q12.
Variant type: single nucleotide variant.
Coding change: c.140T>C on transcript NM_000222.3 (MANE Select); coding-DNA position 140, T replaced by C.
Protein change: p.Ile47Thr; replaces isoleucine 47 with threonine.
Molecular consequence: missense variant.
Genome position (GRCh38, 1-based): chr4:54,695,584, T>C. VCF-style: chr4-54695584-T-C. GRCh37 (hg19) VCF-style: chr4-55561750-T-C.
Other names: c.140T>C, p.Ile47Thr (NM_001093772.2, NM_001385284.1, NM_001385285.1 and 4 more transcripts); short protein forms I47T.
Identifiers: ClinVar variation 653782 (VCV000653782.10), dbSNP rs776395578, ClinGen allele CA2923166.